The following is an entry in ClinVar:

ClinVar aggregate classification (germline): Benign/Likely benign. Review status: criteria provided, multiple submitters, no conflicts (2 of 4 stars). 15 submissions from 14 submitters: Benign (9); Likely benign (3). 3 of the submissions do not count toward it. Last evaluated 2026-02-04.

Conditions:
Multiple myeloma, resistance to. Identifiers: MedGen C4016764.
DNA ligase IV deficiency. Identifiers: Orphanet 99812, MedGen C1847827, MONDO:0011686, OMIM 606593.
Severe combined immunodeficiency due to DCLRE1C deficiency (RS-SCID). Also called: SCID, AUTOSOMAL RECESSIVE, T CELL-NEGATIVE, B CELL-NEGATIVE, NK CELL-POSITIVE, WITH SENSITIVITY TO IONIZING RADIATION. Identifiers: Orphanet 275, MedGen C1865371, MONDO:0011225, OMIM 602450.

Allele frequency attached by ClinVar (database versions not stated): 1000 Genomes Project 30x 0.14788; gnomAD 0.16222 and 0.16468; gnomAD exomes 0.17666 and 0.16540; TOPMed 0.15426; ExAC 0.17304; 1000 Genomes Project 0.14577.

Submissions (15):

Labcorp Genetics (formerly Invitae), Labcorp
Classification: Benign for DNA ligase IV deficiency. Last evaluated: 2026-02-04. Review status: criteria provided, single submitter. Criteria: Invitae Variant Classification Sherloc (09022015). Collection method: clinical testing. Allele origin: germline.

Blueprint Genetics
Classification: Likely benign. Last evaluated: 2024-11-27. Review status: criteria provided, single submitter. Criteria: ACMG Guidelines, 2015. Collection method: clinical testing. Allele origin: germline.

Unidad de Genómica Garrahan, Hospital de Pediatría Garrahan
Classification: Benign. Last evaluated: 2023-11-12. Review status: criteria provided, single submitter. Criteria: ACMG Guidelines, 2015. Collection method: clinical testing. Allele origin: germline. Affected: no. Observed: 37 variant alleles.
Comment: This variant is classified as Benign based on local population frequency. This variant was detected in 39% of patients studied by a panel of primary immunodeficiencies. Number of patients: 37. Only high quality variants are reported.

KCCC/NGS Laboratory, Kuwait Cancer Control Center
Classification: Benign for DNA ligase IV deficiency. Last evaluated: 2023-07-07. Review status: criteria provided, single submitter. Criteria: ACMG Guidelines, 2015. Collection method: clinical testing. Allele origin: germline. Affected: yes.

Women's Health and Genetics/Laboratory Corporation of America, LabCorp
Classification: Likely benign. Last evaluated: 2021-12-03. Review status: criteria provided, single submitter. Criteria: LabCorp Variant Classification Summary - May 2015. Collection method: clinical testing. Allele origin: germline.

Mayo Clinic Laboratories, Mayo Clinic
Classification: Benign. Last evaluated: 2018-03-23. Review status: criteria provided, single submitter. Criteria: ACMG Guidelines, 2015. Collection method: clinical testing. Allele origin: germline. Observed: 359 variant alleles.

Illumina Laboratory Services, Illumina
Classification: Benign for DNA ligase IV deficiency. Last evaluated: 2017-04-27. Review status: criteria provided, single submitter. Criteria: ICSL Variant Classification Criteria 13 December 2019. Collection method: clinical testing. Allele origin: germline.
Comment: This variant was observed as part of a predisposition screen in an ostensibly healthy population. A literature search was performed for the gene, cDNA change, and amino acid change (where applicable). No publications were found based on this search. Allele frequency data from public databases was too high to be consistent with this variant causing disease. Therefore, this variant is classified as benign.

Illumina Laboratory Services, Illumina
Classification: Benign for Severe combined immunodeficiency due to DCLRE1C deficiency. Last evaluated: 2017-04-27. Review status: criteria provided, single submitter. Criteria: ICSL Variant Classification Criteria 13 December 2019. Collection method: clinical testing. Allele origin: germline.
Comment: the same text as in the submission from Illumina Laboratory Services, Illumina above.

Laboratory for Molecular Medicine, Mass General Brigham Personalized Medicine
Classification: Benign. Last evaluated: 2016-03-29. Review status: criteria provided, single submitter. Criteria: LMM Criteria. Collection method: clinical testing. Allele origin: germline.
Comment: Variant identified in a genome or exome case(s) and assessed due to predicted null impact of the variant or pathogenic assertions in the literature or databases. Disclaimer: This variant has not undergone full assessment. The following are preliminary notes: Frequency, Clinvar assertions are benign and protective (not pathogenic)

GeneDx
Classification: Benign. Last evaluated: 2013-01-31. Review status: criteria provided, single submitter. Criteria: GeneDx Variant Classification (06012015). Collection method: clinical testing. Allele origin: germline. Affected: yes.
Comment: This variant is considered likely benign or benign based on one or more of the following criteria: it is a conservative change, it occurs at a poorly conserved position in the protein, it is predicted to be benign by multiple in silico algorithms, and/or has population frequency not consistent with disease.

Breakthrough Genomics
Classification: Likely benign. Review status: criteria provided, single submitter. Criteria: ACMG Guidelines, 2015. Collection method: not provided. Allele origin: germline. Inheritance: Autosomal recessive inheritance. Affected: yes.

PreventionGenetics, part of Exact Sciences
Classification: Benign. Review status: criteria provided, single submitter. Criteria: ACMG Guidelines, 2015. Collection method: clinical testing. Allele origin: germline.

OMIM
Classification: protective for MULTIPLE MYELOMA, RESISTANCE TO. Last evaluated: 2015-05-18. Review status: no assertion criteria provided. Collection method: literature only. Allele origin: germline. Not counted in ClinVar's aggregate classification.

Diagnostic Laboratory, Department of Genetics, University Medical Center Groningen
Classification: Benign. Review status: no assertion criteria provided. Collection method: clinical testing. Allele origin: germline. Affected: yes. Study: VKGL Data-share Consensus. Not counted in ClinVar's aggregate classification.

Genome Diagnostics Laboratory, University Medical Center Utrecht
Classification: Likely benign. Review status: no assertion criteria provided. Collection method: clinical testing. Allele origin: germline. Affected: yes. Study: VKGL Data-share Consensus. Not counted in ClinVar's aggregate classification.

Literature cited by the submitters: PubMed 12471202 (cited by OMIM).

NM_206937.2(LIG4):c.26C>T (p.Thr9Ile)

Gene: LIG4 (DNA ligase 4; minus strand). Cytogenetic location: 13q33.3.
Variant type: single nucleotide variant.
Coding change: c.26C>T on transcript NM_206937.2 (MANE Select); coding-DNA position 26, C replaced by T.
Protein change: p.Thr9Ile; replaces threonine 9 with isoleucine.
Molecular consequence: missense variant. On other transcripts: intron variant (2).
Genome position (GRCh38, 1-based): chr13:108,211,243, G>A on the plus strand (C>T on the coding strand, the complement: LIG4 is on the minus strand). VCF-style: chr13-108211243-G-A. GRCh37 (hg19) VCF-style: chr13-108863591-G-A.
Other names: p.T9I:ACT>ATT; c.26C>T, p.Thr9Ile (NM_001098268.2, NM_001352598.2, NM_001352599.2 and 6 more transcripts); c.-149-27C>T (NM_001330595.2); c.89-27C>T (NM_001352604.2); short protein forms T9I.
Identifiers: ClinVar variation 7677 (VCV000007677.30), dbSNP rs1805388, ClinGen allele CA118987.
Genomic context (GRCh38, chr13:108,211,243, plus strand): 5'-CTTTTCTGTATTCGTTCTAAAGTTGAACACAAATCTGCAAAAGGAACGTGAGATGCAACA[G>A]TTTGTGAAGTTTGTGAGGCAGCCATCAAAGCGGTGATGAATCTTCTCGTTTAACTAGTAA-3'
Protein context (NP_996820.1, residues 1-19): MAASQTSQ[Thr9Ile]VASHVPFADL